The following is an entry in ClinVar:

NM_002335.4(LRP5):c.284C>T (p.Thr95Met)

Gene: LRP5 (LDL receptor related protein 5; plus strand). Cytogenetic location: 11q13.2.
Variant type: single nucleotide variant.
Coding change: c.284C>T on transcript NM_002335.4 (MANE Select); coding-DNA position 284, C replaced by T.
Protein change: p.Thr95Met; replaces threonine 95 with methionine.
Molecular consequence: missense variant. On other transcripts: 5 prime UTR variant (1).
Genome position (GRCh38, 1-based): chr11:68,348,039, C>T. VCF-style: chr11-68348039-C-T. GRCh37 (hg19) VCF-style: chr11-68115507-C-T.
Other names: c.-1482C>T (NM_001291902.2); c.284C>T (NM_002335.3); short protein forms T95M.
Identifiers: ClinVar variation 1011906 (VCV001011906.12), dbSNP rs777743208, ClinGen allele CA6148951.
Genomic context (GRCh38, chr11:68,348,039, plus strand): 5'-GAGCCGTGTACTGGACAGACGTGAGCGAGGAGGCCATCAAGCAGACCTACCTGAACCAGA[C>T]GGGGGCCGCCGTGCAGAACGTGGTCATCTCCGGCCTGGTCTCTCCCGACGGCCTCGCCTG-3'
Protein context (NP_002326.2, residues 85-105): EAIKQTYLNQ[Thr95Met]GAAVQNVVIS

ClinVar aggregate classification (germline): Uncertain significance. Review status: criteria provided, multiple submitters, no conflicts (2 of 4 stars). 5 submissions from 5 submitters: Uncertain significance (5). Last evaluated 2026-07-07.

Conditions:
LRP5-related disorder. Also called: LRP5-related condition.
Osteoporosis with pseudoglioma (OPPG). Also called: osteoporosis-pseudoglioma syndrome. Identifiers: Orphanet 2788, MedGen C0432252, MONDO:0009820, OMIM 259770.
Polycystic liver disease 4 with or without kidney cysts. Identifiers: MedGen C4693479, MONDO:0044327, OMIM 617875.
Autosomal dominant osteopetrosis 1 (OPTA1). Also called: OSTEOPETROSIS, AUTOSOMAL DOMINANT, TYPE I. Identifiers: Orphanet 2783, MedGen C1843330, MONDO:0011877, OMIM 607634.
Exudative vitreoretinopathy 4 (EVR4). Identifiers: Orphanet 891, MedGen C1866176, MONDO:0011151, OMIM 601813.
Worth disease. Also called: Autosomal dominant osteosclerosis, Worth type; ENDOSTEAL HYPEROSTOSIS, AUTOSOMAL DOMINANT; OSTEOSCLEROSIS, AUTOSOMAL DOMINANT. Identifiers: Orphanet 2790, MedGen C0432273, MONDO:0007764, OMIM 144750.
Bone mineral density quantitative trait locus 1 (BMND1). Identifiers: MedGen C1866079, OMIM 601884.

Allele frequency attached by ClinVar (database versions not stated): gnomAD exomes 0.00002 and 0.00007; TOPMed 0.00002; gnomAD 0.00003 and 0.00004; ExAC 0.00007.

Submissions (5):

PreventionGenetics, part of Exact Sciences
Classification: Uncertain significance for LRP5-related condition. Last evaluated: 2026-07-07. Review status: criteria provided, single submitter. Criteria: ACMG Guidelines, 2015. Collection method: clinical testing. Allele origin: germline.
Comment: The LRP5 c.284C>T variant is predicted to result in the amino acid substitution p.Thr95Met. This variant was reported in the homozygous state in an individual undergoing genetic testing (AlAbdi et al. 2025. PubMed ID: 39504961). This variant is reported in 0.040% of alleles in individuals of Latino descent in gnomAD. At this time, the clinical significance of this variant is uncertain due to the absence of conclusive functional and genetic evidence.

Labcorp Genetics (formerly Invitae), Labcorp
Classification: Uncertain significance. Last evaluated: 2025-09-26. Review status: criteria provided, single submitter. Criteria: Invitae Variant Classification Sherloc (09022015). Collection method: clinical testing. Allele origin: germline.
Comment: This sequence change replaces threonine, which is neutral and polar, with methionine, which is neutral and non-polar, at codon 95 of the LRP5 protein (p.Thr95Met). This variant is present in population databases (rs777743208, gnomAD 0.03%). This variant has not been reported in the literature in individuals affected with LRP5-related conditions. ClinVar contains an entry for this variant (Variation ID: 1011906). Invitae Evidence Modeling of protein sequence and biophysical properties (such as structural, functional, and spatial information, amino acid conservation, physicochemical variation, residue mobility, and thermodynamic stability) indicates that this missense variant is not expected to disrupt LRP5 protein function with a negative predictive value of 95%. In summary, the available evidence is currently insufficient to determine the role of this variant in disease. Therefore, it has been classified as a Variant of Uncertain Significance.

Fulgent Genetics
Classification: Uncertain significance for Worth disease; Osteoporosis with pseudoglioma; Exudative vitreoretinopathy 4; Bone mineral density quantitative trait locus 1; Autosomal dominant osteopetrosis 1; Polycystic liver disease 4 with or without kidney cysts. Last evaluated: 2024-04-23. Review status: criteria provided, single submitter. Criteria: ACMG Guidelines, 2015. Collection method: clinical testing. Allele origin: germline.

Genomic Medicine Center of Excellence, King Faisal Specialist Hospital and Research Centre
Classification: Uncertain significance for Exudative vitreoretinopathy 4. Last evaluated: 2024-03-26. Review status: criteria provided, single submitter. Criteria: ACMG Guidelines, 2015. Collection method: clinical testing. Allele origin: germline.

Blueprint Genetics
Classification: Uncertain significance. Last evaluated: 2019-03-31. Review status: criteria provided, single submitter. Criteria: ACMG Guidelines, 2015. Collection method: clinical testing. Allele origin: germline.